The following is an entry in ClinVar:

NM_001080414.4(CCDC88C):c.4513G>A (p.Asp1505Asn)

Gene: CCDC88C (coiled-coil domain containing 88C; minus strand). Cytogenetic location: 14q32.11.
Variant type: single nucleotide variant.
Coding change: c.4513G>A on transcript NM_001080414.4 (MANE Select); coding-DNA position 4513, G replaced by A.
Protein change: p.Asp1505Asn; replaces aspartic acid 1505 with asparagine.
Molecular consequence: missense variant. On other transcripts: non-coding transcript variant (2).
Genome position (GRCh38, 1-based): chr14:91,283,446, C>T on the plus strand (G>A on the coding strand, the complement: CCDC88C is on the minus strand). VCF-style: chr14-91283446-C-T. GRCh37 (hg19) VCF-style: chr14-91749790-C-T.
Other names: short protein forms D1505N.
Identifiers: ClinVar variation 3666009 (VCV003666009.1).

ClinVar aggregate classification (germline): Uncertain significance (1 of 4 stars; one submission).

gnomAD v4.1: 36 of 1,613,166 alleles (0.0022%); highest among the groups gnomAD compares: Non-Finnish European, 0.0027%; no homozygotes.

Submission:

Labcorp Genetics (formerly Invitae), Labcorp
Classification: Uncertain significance. Last evaluated: 2024-10-02. Review status: criteria provided, single submitter. Criteria: Invitae Variant Classification Sherloc (09022015). Collection method: clinical testing. Allele origin: germline.
Comment: This sequence change replaces aspartic acid, which is acidic and polar, with asparagine, which is neutral and polar, at codon 1505 of the CCDC88C protein (p.Asp1505Asn). This variant is present in population databases (rs767457119, gnomAD 0.005%). This variant has not been reported in the literature in individuals affected with CCDC88C-related conditions. An algorithm developed to predict the effect of missense changes on protein structure and function (PolyPhen-2) suggests that this variant¬†is likely to be tolerated. In summary, the available evidence is currently insufficient to determine the role of this variant in disease. Therefore, it has been classified as a Variant of Uncertain Significance.